The following is an entry in ClinVar:

ClinVar aggregate classification (germline): Uncertain significance (1 of 4 stars; one submission).

Conditions:
TCOF1-related disorder. Also called: TCOF1-related condition.

Submission:

PreventionGenetics, part of Exact Sciences
Classification: Uncertain significance for TCOF1-related condition. Last evaluated: 2026-09-11. Review status: criteria provided, single submitter. Criteria: ACMG Guidelines, 2015. Collection method: clinical testing. Allele origin: germline.
Comment: The TCOF1 c.3061G>A variant is predicted to result in the amino acid substitution p.Val1021Met. To our knowledge, this variant has not been reported in the literature or in a large population database (gnomAD), indicating this variant is rare. At this time, the clinical significance of this variant is uncertain due to the absence of conclusive functional and genetic evidence.

NM_001371623.1(TCOF1):c.3061G>A (p.Val1021Met)

Gene: TCOF1 (treacle ribosome biogenesis factor 1; plus strand). Cytogenetic location: 5q32.
Variant type: single nucleotide variant.
Coding change: c.3061G>A on transcript NM_001371623.1 (MANE Select); coding-DNA position 3061, G replaced by A.
Protein change: p.Val1021Met; replaces valine 1021 with methionine.
Molecular consequence: missense variant.
Genome position (GRCh38, 1-based): chr5:150,389,901, G>A. VCF-style: chr5-150389901-G-A. GRCh37 (hg19) VCF-style: chr5-149769464-G-A.
Other names: c.2830G>A, p.Val944Met (NM_000356.4, NM_001135245.2); c.3061G>A, p.Val1021Met (NM_001135243.2, NM_001135244.2, NM_001195141.2); c.2941G>A, p.Val981Met (NM_001437406.1); short protein forms V1021M, V944M, V981M.
Identifiers: ClinVar variation 4994130 (VCV004994130.1).